The following is an entry in ClinVar:

NM_017780.4(CHD7):c.1060C>G (p.Pro354Ala)

Gene: CHD7 (chromodomain helicase DNA binding protein 7; plus strand). Cytogenetic location: 8q12.2.
Variant type: single nucleotide variant.
Coding change: c.1060C>G on transcript NM_017780.4 (MANE Select); coding-DNA position 1060, C replaced by G.
Protein change: p.Pro354Ala; replaces proline 354 with alanine.
Molecular consequence: missense variant.
Genome position (GRCh38, 1-based): chr8:60,742,492, C>G. VCF-style: chr8-60742492-C-G. GRCh37 (hg19) VCF-style: chr8-61655051-C-G.
Other names: c.1060C>G (LRG_176t1); c.1060C>G, p.Pro354Ala (NM_001316690.1); short protein forms P354A.
Identifiers: ClinVar variation 420416 (VCV000420416.11), dbSNP rs878893652, ClinGen allele CA16618654.

ClinVar aggregate classification (germline): Conflicting classifications of pathogenicity. Review status: criteria provided, conflicting classifications (1 of 4 stars). 2 submissions from 2 submitters: Uncertain significance (1); Benign (1). Last evaluated 2025-12-16.

Conditions:
CHARGE syndrome (CHARGE). Also called: Hittner Hirsch Kreh syndrome; CHARGE ASSOCIATION--COLOBOMA, HEART ANOMALY, CHOANAL ATRESIA, RETARDATION, GENITAL AND EAR ANOMALIES; Coloboma, heart anomaly, choanal atresia, retardation, genital and ear anomalies; CHARGE association; Hall-Hittner syndrome. Identifiers: Orphanet 138, MedGen C0265354, MONDO:0008965.

Allele frequency attached by ClinVar (database versions not stated): gnomAD exomes 0.00001.
gnomAD v4.1: 10 of 1,613,960 alleles (0.00062%); highest among the groups gnomAD compares: Admixed American, 0.015%; no homozygotes.

Submissions (2):

Labcorp Genetics (formerly Invitae), Labcorp
Classification: Benign for CHARGE syndrome. Last evaluated: 2025-12-16. Review status: criteria provided, single submitter. Criteria: Invitae Variant Classification Sherloc (09022015). Collection method: clinical testing. Allele origin: germline.

GeneDx
Classification: Uncertain significance. Last evaluated: 2016-02-26. Review status: criteria provided, single submitter. Criteria: GeneDx Variant Classification (06012015). Collection method: clinical testing. Allele origin: germline. Affected: yes.
Comment: The P354A variant in the CHD7 gene has not been reported previously as a pathogenic variant, nor as a benign variant, to our knowledge. The P354A variant was not observed in approximately 6300 individuals of European and African American ancestry in the NHLBI Exome Sequencing Project, indicating it is not a common benign variant in these populations. The P354A variant is a semi-conservative amino acid substitution, which may impact secondary protein structure as these residues differ in some properties. This substitution occurs at a position that is conserved across species. In silico analysis is inconsistent in its predictions as to whether or not the variant is damaging to the protein structure/function. We interpret P354A as a variant of uncertain significance.